The following is an entry in ClinVar:

ClinVar aggregate classification (germline): Uncertain significance. Review status: criteria provided, multiple submitters, no conflicts (2 of 4 stars). 3 submissions from 3 submitters: Uncertain significance (3). Last evaluated 2025-08-21.

Conditions:
Retinal dystrophy. Also called: Inherited retinal dystrophy. Identifiers: Orphanet 71862, MedGen C0854723, MeSH D058499, MONDO:0019118, HP:0000556.

Allele frequency attached by ClinVar (database versions not stated): gnomAD 0.00005 and 0.00007; TOPMed 0.00006; ESP Exome Variant Server 0.00008; gnomAD exomes 0.00008; ExAC 0.00009; 1000 Genomes Project 30x 0.00031; 1000 Genomes Project 0.00040.
gnomAD v4.1: 77 of 1,598,780 alleles (0.0048%); highest among the groups gnomAD compares: South Asian, 0.021%; no homozygotes.

Submissions (3):

Labcorp Genetics (formerly Invitae), Labcorp
Classification: Uncertain significance. Last evaluated: 2025-08-21. Review status: criteria provided, single submitter. Criteria: Invitae Variant Classification Sherloc (09022015). Collection method: clinical testing. Allele origin: germline.
Comment: This sequence change replaces valine, which is neutral and non-polar, with methionine, which is neutral and non-polar, at codon 754 of the CACNA2D4 protein (p.Val754Met). The frequency data for this variant in the population databases is considered unreliable, as metrics indicate poor data quality at this position in the gnomAD database. This missense change has been observed in individual(s) with Takotsubo cardiomyopathy (PMID: 25132214). ClinVar contains an entry for this variant (Variation ID: 1363685). An algorithm developed to predict the effect of missense changes on protein structure and function (PolyPhen-2) suggests that this variant is likely to be tolerated. In summary, the available evidence is currently insufficient to determine the role of this variant in disease. Therefore, it has been classified as a Variant of Uncertain Significance.

Blueprint Genetics
Classification: Uncertain significance. Last evaluated: 2024-01-10. Review status: criteria provided, single submitter. Criteria: ACMG Guidelines, 2015. Collection method: clinical testing. Allele origin: germline.

Institute of Human Genetics, Univ. Regensburg, Univ. Regensburg
Classification: Uncertain significance for Retinal dystrophy. Last evaluated: 2022-01-01. Review status: criteria provided, single submitter. Criteria: ACMG Guidelines, 2015. Collection method: clinical testing. Allele origin: germline. Affected: yes.

Literature cited by the submitters: PubMed 25132214 (cited by Labcorp Genetics (formerly Invitae), Labcorp and Institute of Human Genetics, Univ. Regensburg, Univ. Regensburg).

NM_172364.5(CACNA2D4):c.2260G>A (p.Val754Met)

Gene: CACNA2D4 (calcium voltage-gated channel auxiliary subunit alpha2delta 4; minus strand). Cytogenetic location: 12p13.33.
Variant type: single nucleotide variant.
Coding change: c.2260G>A on transcript NM_172364.5 (MANE Select); coding-DNA position 2260, G replaced by A.
Protein change: p.Val754Met; replaces valine 754 with methionine.
Molecular consequence: missense variant.
Genome position (GRCh38, 1-based): chr12:1,846,676, C>T on the plus strand (G>A on the coding strand, the complement: CACNA2D4 is on the minus strand). VCF-style: chr12-1846676-C-T. GRCh37 (hg19) VCF-style: chr12-1955842-C-T.
Other names: short protein forms V754M.
Identifiers: ClinVar variation 1363685 (VCV001363685.8), dbSNP rs373032354, ClinGen allele CA6386761.
Genomic context (GRCh38, chr12:1,846,676, plus strand): 5'-CCACGAACAAGCTGCTTCTCAGGAGGCCAGCCCGGGTGCCCAGGAAGGCCATGTCCACCA[C>T]GTGTTCAGACTCCCTGTGTGGCAGACAGAGCGGGAATGGTCACCACATGGCTGTGGCAAG-3'
Protein context (NP_758952.4, residues 744-764): ALNMSEESEH[Val754Met]VDMAFLGTRA